The following is an entry in ClinVar:

ClinVar aggregate classification (germline): Uncertain significance. Review status: criteria provided, multiple submitters, no conflicts (2 of 4 stars). 2 submissions from 2 submitters: Uncertain significance (2). Last evaluated 2026-03-06.

Conditions:
PLXNA2-related disorder. Also called: PLXNA2-related condition.

gnomAD v4.1: 32 of 1,613,294 alleles (0.002%); highest among the groups gnomAD compares: South Asian, 0.015%; no homozygotes.

Submissions (2):

PreventionGenetics, part of Exact Sciences
Classification: Uncertain significance for PLXNA2-related condition. Last evaluated: 2026-03-06. Review status: criteria provided, single submitter. Criteria: ACMG Guidelines, 2015. Collection method: clinical testing. Allele origin: germline.
Comment: The PLXNA2 c.3652G>A variant is predicted to result in the amino acid substitution p.Gly1218Arg. To our knowledge, this variant has not been reported in the literature. This variant is reported in 0.0099% of alleles in individuals of South Asian descent in gnomAD. At this time, the clinical significance of this variant is uncertain due to the absence of conclusive functional and genetic evidence.

Labcorp Genetics (formerly Invitae), Labcorp
Classification: Uncertain significance. Last evaluated: 2025-04-23. Review status: criteria provided, single submitter. Criteria: Invitae Variant Classification Sherloc (09022015). Collection method: clinical testing. Allele origin: germline.
Comment: This sequence change replaces glycine, which is neutral and non-polar, with arginine, which is basic and polar, at codon 1218 of the PLXNA2 protein (p.Gly1218Arg). This variant is present in population databases (rs374725426, gnomAD 0.01%). This variant has not been reported in the literature in individuals affected with PLXNA2-related conditions. ClinVar contains an entry for this variant (Variation ID: 3357339). Invitae Evidence Modeling of protein sequence and biophysical properties (such as structural, functional, and spatial information, amino acid conservation, physicochemical variation, residue mobility, and thermodynamic stability) indicates that this missense variant is not expected to disrupt PLXNA2 protein function with a negative predictive value of 80%. In summary, the available evidence is currently insufficient to determine the role of this variant in disease. Therefore, it has been classified as a Variant of Uncertain Significance.

NM_025179.4(PLXNA2):c.3652G>A (p.Gly1218Arg)

Gene: PLXNA2 (plexin A2; minus strand). Cytogenetic location: 1q32.2.
Variant type: single nucleotide variant.
Coding change: c.3652G>A on transcript NM_025179.4 (MANE Select); coding-DNA position 3652, G replaced by A.
Protein change: p.Gly1218Arg; replaces glycine 1218 with arginine.
Molecular consequence: missense variant.
Genome position (GRCh38, 1-based): chr1:208,044,730, C>T on the plus strand (G>A on the coding strand, the complement: PLXNA2 is on the minus strand). VCF-style: chr1-208044730-C-T. GRCh37 (hg19) VCF-style: chr1-208218075-C-T.
Other names: short protein forms G1218R.
Identifiers: ClinVar variation 3357339 (VCV003357339.3).